The following is an entry in ClinVar:

NM_017780.4(CHD7):c.686C>T (p.Thr229Ile)

Gene: CHD7 (chromodomain helicase DNA binding protein 7; plus strand). Cytogenetic location: 8q12.2.
Variant type: single nucleotide variant.
Coding change: c.686C>T on transcript NM_017780.4 (MANE Select); coding-DNA position 686, C replaced by T.
Protein change: p.Thr229Ile; replaces threonine 229 with isoleucine.
Molecular consequence: missense variant.
Genome position (GRCh38, 1-based): chr8:60,742,118, C>T. VCF-style: chr8-60742118-C-T. GRCh37 (hg19) VCF-style: chr8-61654677-C-T.
Other names: c.686C>T, p.Thr229Ile (NM_001316690.1); short protein forms T229I.
Identifiers: ClinVar variation 3706852 (VCV003706852.2).

ClinVar aggregate classification (germline): Uncertain significance (1 of 4 stars; one submission).

Conditions:
CHARGE syndrome (CHARGE). Also called: Hittner Hirsch Kreh syndrome; CHARGE ASSOCIATION--COLOBOMA, HEART ANOMALY, CHOANAL ATRESIA, RETARDATION, GENITAL AND EAR ANOMALIES; Coloboma, heart anomaly, choanal atresia, retardation, genital and ear anomalies; CHARGE association; Hall-Hittner syndrome. Identifiers: Orphanet 138, MedGen C0265354, MONDO:0008965.

gnomAD v4.1: 3 of 1,613,864 alleles (0.00019%); highest among the groups gnomAD compares: Non-Finnish European, 0.00025%; no homozygotes.

Submission:

Labcorp Genetics (formerly Invitae), Labcorp
Classification: Uncertain significance for CHARGE syndrome. Last evaluated: 2025-01-14. Review status: criteria provided, single submitter. Criteria: Invitae Variant Classification Sherloc (09022015). Collection method: clinical testing. Allele origin: germline.
Comment: This sequence change replaces threonine, which is neutral and polar, with isoleucine, which is neutral and non-polar, at codon 229 of the CHD7 protein (p.Thr229Ile). This variant is not present in population databases (gnomAD no frequency). This variant has not been reported in the literature in individuals affected with CHD7-related conditions. Invitae Evidence Modeling of protein sequence and biophysical properties (such as structural, functional, and spatial information, amino acid conservation, physicochemical variation, residue mobility, and thermodynamic stability) indicates that this missense variant is not expected to disrupt CHD7 protein function with a negative predictive value of 95%. In summary, the available evidence is currently insufficient to determine the role of this variant in disease. Therefore, it has been classified as a Variant of Uncertain Significance.